The following is an entry in ClinVar:

ClinVar aggregate classification (germline): Uncertain significance (1 of 4 stars; one submission).

Conditions:
Dystonic disorder. Also called: Dystonia. Identifiers: MedGen C0013421, MONDO:0003441, HP:0001332.

Submission:

Labcorp Genetics (formerly Invitae), Labcorp
Classification: Uncertain significance for Dystonic disorder. Last evaluated: 2025-08-24. Review status: criteria provided, single submitter. Criteria: Invitae Variant Classification Sherloc (09022015). Collection method: clinical testing. Allele origin: germline.
Comment: This sequence change falls in intron 2 of the GNAL gene. It does not directly change the encoded amino acid sequence of the GNAL protein. Information on the frequency of this variant in the gnomAD database is not available, as this variant may be reported differently in the database. This variant has not been reported in the literature in individuals affected with GNAL-related conditions. Experimental studies and prediction algorithms are not available or were not evaluated, and the effect of this variant on mRNA splicing is currently unknown. In summary, the available evidence is currently insufficient to determine the role of this variant in disease. Therefore, it has been classified as a Variant of Uncertain Significance.

NM_182978.4(GNAL):c.377-259_377-258delinsAT

Gene: GNAL (G protein subunit alpha L; plus strand). Cytogenetic location: 18p11.21.
Variant type: Indel.
Coding change: c.377-259_377-258delinsAT on transcript NM_182978.4 (MANE Select); 259 bases into the intron before coding-DNA position 377 through 258 bases into the intron before coding-DNA position 377, GC replaced by AT.
Molecular consequence: intron variant.
Genome position (GRCh38, 1-based): chr18:11,752,594-11,752,595, GC replaced by AT. VCF-style: chr18-11752594-GC-AT. GRCh37 (hg19) VCF-style: chr18-11752593-GC-AT.
Other names: c.145+16_145+17delinsAT (NM_001261443.2, NM_001142339.3, NM_001369387.1).
Identifiers: ClinVar variation 4722989 (VCV004722989.1).